The following is an entry in ClinVar:

NM_016122.3(CEP83):c.1544G>A (p.Ser515Asn)

Gene: CEP83 (centrosomal protein 83; minus strand). Cytogenetic location: 12q22.
Variant type: single nucleotide variant.
Coding change: c.1544G>A on transcript NM_016122.3 (MANE Select); coding-DNA position 1544, G replaced by A.
Protein change: p.Ser515Asn; replaces serine 515 with asparagine.
Molecular consequence: missense variant. On other transcripts: non-coding transcript variant (2).
Genome position (GRCh38, 1-based): chr12:94,333,515, C>T on the plus strand (G>A on the coding strand, the complement: CEP83 is on the minus strand). VCF-style: chr12-94333515-C-T. GRCh37 (hg19) VCF-style: chr12-94727291-C-T.
Other names: c.1544G>A, p.Ser515Asn (NM_001042399.2, NM_001346457.2, NM_001368037.1 and 1 more transcripts); c.1232G>A, p.Ser411Asn (NM_001346458.2, NM_001346459.2, NM_001368039.1 and 1 more transcripts); c.1319G>A, p.Ser440Asn (NM_001368041.1); short protein forms S411N, S440N, S515N.
Identifiers: ClinVar variation 944061 (VCV000944061.7), dbSNP rs1416850005, ClinGen allele CA386144072.

ClinVar aggregate classification (germline): Uncertain significance. Review status: criteria provided, multiple submitters, no conflicts (2 of 4 stars). 2 submissions from 2 submitters: Uncertain significance (2). Last evaluated 2022-05-10.

Conditions:
Nephronophthisis 18 (NPHP18). Identifiers: Orphanet 655, MedGen C3890591, MONDO:0014374, OMIM 615862.
Inborn genetic diseases. Identifiers: MedGen C0950123, MeSH D030342.

Allele frequency attached by ClinVar (database versions not stated): gnomAD exomes 0.00001; TOPMed 0.00001.
gnomAD v4.1: 36 of 1,613,358 alleles (0.0022%); highest among the groups gnomAD compares: Non-Finnish European, 0.0028%; no homozygotes.

Submissions (2):

Labcorp Genetics (formerly Invitae), Labcorp
Classification: Uncertain significance for Nephronophthisis 18. Last evaluated: 2022-05-10. Review status: criteria provided, single submitter. Criteria: Invitae Variant Classification Sherloc (09022015). Collection method: clinical testing. Allele origin: germline.
Comment: This sequence change replaces serine, which is neutral and polar, with asparagine, which is neutral and polar, at codon 515 of the CEP83 protein (p.Ser515Asn). This variant is present in population databases (no rsID available, gnomAD 0.003%). This variant has not been reported in the literature in individuals affected with CEP83-related conditions. ClinVar contains an entry for this variant (Variation ID: 944061). Algorithms developed to predict the effect of missense changes on protein structure and function output the following: SIFT: "Not Available"; PolyPhen-2: "Benign"; Align-GVGD: "Not Available". The asparagine amino acid residue is found in multiple mammalian species, which suggests that this missense change does not adversely affect protein function. In summary, the available evidence is currently insufficient to determine the role of this variant in disease. Therefore, it has been classified as a Variant of Uncertain Significance.

Ambry Genetics
Classification: Uncertain significance for Inborn genetic diseases. Last evaluated: 2021-11-15. Review status: criteria provided, single submitter. Criteria: Ambry Variant Classification Scheme 2023. Collection method: clinical testing. Allele origin: germline.